The following is an entry in ClinVar:

ClinVar aggregate classification (germline): Uncertain significance (1 of 4 stars; one submission).

Allele frequency attached by ClinVar (database versions not stated): gnomAD exomes 0.00001.

Submission:

Labcorp Genetics (formerly Invitae), Labcorp
Classification: Uncertain significance. Last evaluated: 2020-10-25. Review status: criteria provided, single submitter. Criteria: Invitae Variant Classification Sherloc (09022015). Collection method: clinical testing. Allele origin: germline.
Comment: This sequence change replaces leucine with arginine at codon 1052 of the SLC24A1 protein (p.Leu1052Arg). The leucine residue is highly conserved and there is a moderate physicochemical difference between leucine and arginine. This variant is not present in population databases (ExAC no frequency). This variant has not been reported in the literature in individuals with SLC24A1-related conditions. Algorithms developed to predict the effect of missense changes on protein structure and function (SIFT, PolyPhen-2, Align-GVGD) all suggest that this variant is likely to be disruptive, but these predictions have not been confirmed by published functional studies and their clinical significance is uncertain. In summary, the available evidence is currently insufficient to determine the role of this variant in disease. Therefore, it has been classified as a Variant of Uncertain Significance.

NM_004727.3(SLC24A1):c.3155T>G (p.Leu1052Arg)

Gene: SLC24A1 (solute carrier family 24 member 1; plus strand). Cytogenetic location: 15q22.31.
Variant type: single nucleotide variant.
Coding change: c.3155T>G on transcript NM_004727.3 (MANE Select); coding-DNA position 3155, T replaced by G.
Protein change: p.Leu1052Arg; replaces leucine 1052 with arginine.
Molecular consequence: missense variant. On other transcripts: intron variant (1).
Genome position (GRCh38, 1-based): chr15:65,653,934, T>G. VCF-style: chr15-65653934-T-G. GRCh37 (hg19) VCF-style: chr15-65946272-T-G.
Other names: c.1136T>G, p.Leu379Arg (NM_001254740.2); c.3065T>G, p.Leu1022Arg (NM_001301031.1); c.3101T>G, p.Leu1034Arg (NM_001301032.1); c.2996+1126T>G (NM_001301033.2); short protein forms L1022R, L1034R, L1052R, L379R.
Identifiers: ClinVar variation 1063852 (VCV001063852.9), dbSNP rs2141737710, ClinGen allele CA392903683.
Genomic context (GRCh38, chr15:65,653,934, plus strand): 5'-AGCCAGTTCCAGTCAGCAGCAATGGCTTGTTTTGTGCAATTGTTTTGCTTTTTCTCATGC[T>G]TCTGTTTGTGATCTCTTCAATTGCGTCATGTAAATGGAGAATGAACAAGATCCTGGGCTT-3'
Protein context (NP_004718.1, residues 1042-1062): FCAIVLLFLM[Leu1052Arg]LFVISSIASC